The following is an entry in ClinVar:

NM_001283009.2(RTEL1):c.2164G>T (p.Ala722Ser)

Genes: RTEL1 (regulator of telomere elongation helicase 1; plus strand), RTEL1-TNFRSF6B (RTEL1-TNFRSF6B readthrough (NMD candidate); plus strand). Cytogenetic location: 20q13.33.
Variant type: single nucleotide variant.
Coding change: c.2164G>T on transcript NM_001283009.2 (MANE Select); coding-DNA position 2164, G replaced by T.
Protein change: p.Ala722Ser; replaces alanine 722 with serine.
Molecular consequence: missense variant. On other transcripts: non-coding transcript variant (1).
Genome position (GRCh38, 1-based): chr20:63,690,109, G>T. VCF-style: chr20-63690109-G-T. GRCh37 (hg19) VCF-style: chr20-62321462-G-T.
Other names: c.1495G>T, p.Ala499Ser (NM_001283010.1); c.2164G>T, p.Ala722Ser (NM_016434.4); c.2236G>T, p.Ala746Ser (NM_032957.5); short protein forms A746S, A499S, A722S.
Identifiers: ClinVar variation 957173 (VCV000957173.10), dbSNP rs2090697243, ClinGen allele CA409679655.
Genomic context (GRCh38, chr20:63,690,109, plus strand): 5'-GCTGTGGGCAGGGCAGCAGGGCTATGGCCACCCCCCAGGTTCGCCTTTGCCGACGCAAGA[G>T]CCCAACTGCCCTCCTGGGTGCGTCCCCACGTCAGGGTGTATGACAACTTTGGCCATGTCA-3'
Protein context (NP_001269938.1, residues 712-732): DHRFAFADAR[Ala722Ser]QLPSWVRPHV

ClinVar aggregate classification (germline): Uncertain significance (1 of 4 stars; one submission).

Conditions:
Pulmonary fibrosis and/or bone marrow failure, Telomere-related, 3. Also called: PULMONARY FIBROSIS AND/OR BONE MARROW FAILURE SYNDROME, TELOMERE-RELATED, 3. Identifiers: Orphanet 2032, MedGen C4225346, MONDO:0014613, OMIM 616373.
Dyskeratosis congenita, autosomal recessive 5 (DKCB5). Identifiers: MedGen C3554656, MONDO:0014076, OMIM 615190.

Submission:

Labcorp Genetics (formerly Invitae), Labcorp
Classification: Uncertain significance for Dyskeratosis congenita, autosomal recessive 5; Pulmonary fibrosis and/or bone marrow failure, Telomere-related, 3. Last evaluated: 2025-04-18. Review status: criteria provided, single submitter. Criteria: Invitae Variant Classification Sherloc (09022015). Collection method: clinical testing. Allele origin: germline.
Comment: This sequence change replaces alanine, which is neutral and non-polar, with serine, which is neutral and polar, at codon 722 of the RTEL1 protein (p.Ala722Ser). This variant is not present in population databases (gnomAD no frequency). This variant has not been reported in the literature in individuals affected with RTEL1-related conditions. ClinVar contains an entry for this variant (Variation ID: 957173). An algorithm developed to predict the effect of missense changes on protein structure and function (PolyPhen-2) suggests that this variant is likely to be disruptive. In summary, the available evidence is currently insufficient to determine the role of this variant in disease. Therefore, it has been classified as a Variant of Uncertain Significance.